The following is an entry in ClinVar:

NM_018951.4(HOXA10):c.738G>T (p.Pro246=)

Genes: HOXA10 (homeobox A10; minus strand), HOXA10-HOXA9 (HOXA10-HOXA9 readthrough; minus strand). Cytogenetic location: 7p15.2.
Variant type: single nucleotide variant.
Coding change: c.738G>T on transcript NM_018951.4 (MANE Select); coding-DNA position 738, G replaced by T.
Protein change: p.Pro246=; no amino-acid change (proline 246 retained).
Molecular consequence: synonymous variant.
Genome position (GRCh38, 1-based): chr7:27,173,569, C>A on the plus strand (G>T on the coding strand, the complement: HOXA10 is on the minus strand). VCF-style: chr7-27173569-C-A. GRCh37 (hg19) VCF-style: chr7-27213188-C-A.
Identifiers: ClinVar variation 3049459 (VCV003049459.2), dbSNP rs150556405, ClinGen allele CA4198082.

ClinVar aggregate classification (germline): Benign (0 of 4 stars; one submission).

Conditions:
HOXA10-related disorder. Also called: HOXA10-related condition.

Allele frequency attached by ClinVar (database versions not stated): 1000 Genomes Project 30x 0.00234; 1000 Genomes Project 0.00280; gnomAD exomes 0.00039; ExAC 0.00058.

Submission:

PreventionGenetics, part of Exact Sciences
Classification: Benign for HOXA10-related condition. Last evaluated: 2019-07-12. Review status: no assertion criteria provided. Collection method: clinical testing. Allele origin: germline.
Comment: This variant is classified as benign based on ACMG/AMP sequence variant interpretation guidelines (Richards et al. 2015 PMID: 25741868, with internal and published modifications).